The following is an entry in ClinVar:

NM_003265.3(TLR3):c.586A>C (p.Asn196His)

Gene: TLR3 (toll like receptor 3; plus strand). Cytogenetic location: 4q35.1.
Variant type: single nucleotide variant.
Coding change: c.586A>C on transcript NM_003265.3 (MANE Select); coding-DNA position 586, A replaced by C.
Protein change: p.Asn196His; replaces asparagine 196 with histidine.
Molecular consequence: missense variant.
Genome position (GRCh38, 1-based): chr4:186,078,984, A>C. VCF-style: chr4-186078984-A-C. GRCh37 (hg19) VCF-style: chr4-187000138-A-C.
Other names: short protein forms N196H.
Identifiers: ClinVar variation 3679218 (VCV003679218.2).

ClinVar aggregate classification (germline): Uncertain significance (1 of 4 stars; one submission).

Conditions:
Encephalopathy, acute, infection-induced (herpes-specific), susceptibility to, 1. Also called: Herpes simplex encephalitis, susceptibility to, 1. Identifiers: Orphanet 1930, MedGen C2750180, MONDO:0024563, OMIM 610551.

Submission:

Labcorp Genetics (formerly Invitae), Labcorp
Classification: Uncertain significance for Encephalopathy, acute, infection-induced (herpes-specific), susceptibility to, 1. Last evaluated: 2024-12-13. Review status: criteria provided, single submitter. Criteria: Invitae Variant Classification Sherloc (09022015). Collection method: clinical testing. Allele origin: germline.
Comment: This sequence change replaces asparagine, which is neutral and polar, with histidine, which is basic and polar, at codon 196 of the TLR3 protein (p.Asn196His). This variant is not present in population databases (gnomAD no frequency). This variant has not been reported in the literature in individuals affected with TLR3-related conditions. An algorithm developed to predict the effect of missense changes on protein structure and function (PolyPhen-2) suggests that this variant is likely to be tolerated. In summary, the available evidence is currently insufficient to determine the role of this variant in disease. Therefore, it has been classified as a Variant of Uncertain Significance.